The following is an entry in ClinVar:

ClinVar aggregate classification (germline): Uncertain significance (1 of 4 stars; one submission).

gnomAD v4.1: 1 of 1,607,510 alleles (0.000062%); highest among the groups gnomAD compares: Non-Finnish European, 0.000085%; no homozygotes.

Submission:

Ambry Genetics
Classification: Uncertain significance. Last evaluated: 2025-09-25. Review status: criteria provided, single submitter. Criteria: Ambry Variant Classification Scheme 2023. Collection method: clinical testing. Allele origin: germline.
Comment: The c.980G>A (p.R327Q) alteration is located in exon 5 (coding exon 5) of the LHX2 gene. This alteration results from a G to A substitution at nucleotide position 980, causing the arginine (R) at amino acid position 327 to be replaced by a glutamine (Q). Based on data from gnomAD, the A allele has an overall frequency of <0.001% (1/245802) total alleles studied. The highest observed frequency was 0.001% (1/111026) of European (non-Finnish) alleles. Based on insufficient or conflicting evidence, the clinical significance of this alteration remains unclear.

NM_004789.4(LHX2):c.980G>A (p.Arg327Gln)

Gene: LHX2 (LIM homeobox 2; plus strand). Cytogenetic location: 9q33.3.
Variant type: single nucleotide variant.
Coding change: c.980G>A on transcript NM_004789.4 (MANE Select); coding-DNA position 980, G replaced by A.
Protein change: p.Arg327Gln; replaces arginine 327 with glutamine.
Molecular consequence: missense variant.
Genome position (GRCh38, 1-based): chr9:124,032,466, G>A. VCF-style: chr9-124032466-G-A. GRCh37 (hg19) VCF-style: chr9-126794745-G-A.
Other names: short protein forms R327Q.
Identifiers: ClinVar variation 4546397 (VCV004546397.1).